The following is an entry in ClinVar:

ClinVar aggregate classification (germline): Pathogenic/Likely pathogenic. Review status: criteria provided, multiple submitters, no conflicts (2 of 4 stars). 7 submissions from 7 submitters: Pathogenic (3); Likely pathogenic (3). 1 of the submissions does not count toward it. Last evaluated 2026-03-16.

Conditions:
Pyruvate carboxylase deficiency. Also called: ATAXIA WITH LACTIC ACIDOSIS II; LEIGH NECROTIZING ENCEPHALOPATHY DUE TO PYRUVATE CARBOXYLASE DEFICIENCY; LEIGH SYNDROME DUE TO PYRUVATE CARBOXYLASE DEFICIENCY; PC DEFICIENCY; Pyruvate Carboxylase Deficiency Disease. Identifiers: Orphanet 3008, MedGen C0034341, MONDO:0009949, OMIM 266150.

Allele frequency attached by ClinVar (database versions not stated): gnomAD exomes below 0.00001 and 0.00001; TOPMed 0.00002; gnomAD 0.00006.
gnomAD v4.1: 19 of 1,613,974 alleles (0.0012%); highest among the groups gnomAD compares: Non-Finnish European, 0.0015%; no homozygotes.

Submissions (7):

Women's Health and Genetics/Laboratory Corporation of America, LabCorp
Classification: Likely pathogenic for Pyruvate carboxylase deficiency. Last evaluated: 2026-03-16. Review status: criteria provided, single submitter. Criteria: LabCorp Variant Classification Summary - May 2015. Collection method: clinical testing. Allele origin: germline.
Comment: Variant summary: PC c.1892G>A (p.Arg631Gln) results in a conservative amino acid change located in the Pyruvate carboxyltransferase domain (IPR000891) of the encoded protein sequence. Algorithms developed to predict the effect of missense changes on protein structure and function are either unavailable or do not agree on the potential impact of this missense change. The variant allele was found at a frequency of 4e-06 in 250902 control chromosomes. c.1892G>A has been observed in individuals affected with Pyruvate Carboxylase Deficiency (Monnot_2009, Wang_2008, Taylor_2014, Habarou_2015, Laura-Duque-Lasio_2023). These data indicate that the variant is likely to be associated with disease. To our knowledge, no experimental evidence demonstrating an impact on protein function has been reported. The following publications have been ascertained in the context of this evaluation (PMID: 28649521, 37207470, 19306334, 25058219, 18676167). ClinVar contains an entry for this variant (Variation ID: 21222). Based on the evidence outlined above, the variant was classified as likely pathogenic.

GeneDx
Classification: Pathogenic. Last evaluated: 2024-11-11. Review status: criteria provided, single submitter. Criteria: GeneDx Variant Classification Process June 2021. Collection method: clinical testing. Allele origin: germline. Affected: yes.
Comment: Not observed at significant frequency in large population cohorts (gnomAD); In silico analysis supports that this missense variant has a deleterious effect on protein structure/function; This variant is associated with the following publications: (PMID: 30870574, 19306334, 18676167, 25058219, 37207470, 28649521)

Labcorp Genetics (formerly Invitae), Labcorp
Classification: Pathogenic for Pyruvate carboxylase deficiency. Last evaluated: 2024-10-13. Review status: criteria provided, single submitter. Criteria: Invitae Variant Classification Sherloc (09022015). Collection method: clinical testing. Allele origin: germline.
Comment: This sequence change replaces arginine, which is basic and polar, with glutamine, which is neutral and polar, at codon 631 of the PC protein (p.Arg631Gln). This variant is present in population databases (rs113994145, gnomAD 0.002%). This missense change has been observed in individual(s) with pyruvate carboxylase deficiency (PMID: 18676167, 19306334). In at least one individual the data is consistent with being in trans (on the opposite chromosome) from a pathogenic variant. ClinVar contains an entry for this variant (Variation ID: 21222). Invitae Evidence Modeling of protein sequence and biophysical properties (such as structural, functional, and spatial information, amino acid conservation, physicochemical variation, residue mobility, and thermodynamic stability) indicates that this missense variant is expected to disrupt PC protein function with a positive predictive value of 95%. For these reasons, this variant has been classified as Pathogenic.

Baylor Genetics
Classification: Likely pathogenic for Pyruvate carboxylase deficiency. Last evaluated: 2024-03-28. Review status: criteria provided, single submitter. Criteria: ACMG Guidelines, 2015. Collection method: clinical testing. Allele origin: unknown.

Fulgent Genetics
Classification: Likely pathogenic for Pyruvate carboxylase deficiency. Last evaluated: 2024-02-17. Review status: criteria provided, single submitter. Criteria: ACMG Guidelines, 2015. Collection method: clinical testing. Allele origin: germline.

Juno Genomics, Hangzhou Juno Genomics, Inc
Classification: Pathogenic for Pyruvate carboxylase deficiency. Review status: criteria provided, single submitter. Criteria: ACMG Guidelines, 2015. Collection method: clinical testing. Allele origin: germline.
Comment: Absent from controls (or at extremely low frequency if recessive) in Genome Aggregation Database.;Multiple lines of computational evidence support a deleterious effect on the gene or gene product.;Missense variant in a gene that has a low rate of benign missense variation.;For recessive disorders, detected in trans with a pathogenic variant.

Counsyl
Classification: Likely pathogenic for Pyruvate carboxylase deficiency. Last evaluated: 2017-04-07. Review status: no assertion criteria provided. Collection method: clinical testing. Allele origin: unknown. Not counted in ClinVar's aggregate classification.

Literature cited by the submitters: PubMed 18676167 (cited by 3 submitters); PubMed 25058219 (cited by Women's Health and Genetics/Laboratory Corporation of America, LabCorp and Counsyl); PubMed 28649521 (cited by Women's Health and Genetics/Laboratory Corporation of America, LabCorp); PubMed 37207470 (cited by Women's Health and Genetics/Laboratory Corporation of America, LabCorp); PubMed 19306334 (cited by 3 submitters).

NM_001040716.2(PC):c.1892G>A (p.Arg631Gln)

Gene: PC (pyruvate carboxylase; minus strand). Cytogenetic location: 11q13.2.
Variant type: single nucleotide variant.
Coding change: c.1892G>A on transcript NM_001040716.2 (MANE Select); coding-DNA position 1892, G replaced by A.
Protein change: p.Arg631Gln; replaces arginine 631 with glutamine.
Molecular consequence: missense variant.
Genome position (GRCh38, 1-based): chr11:66,851,880, C>T on the plus strand (G>A on the coding strand, the complement: PC is on the minus strand). VCF-style: chr11-66851880-C-T. GRCh37 (hg19) VCF-style: chr11-66619351-C-T.
Other names: c.1892G>A, p.Arg631Gln (NM_000920.4, NM_022172.3); short protein forms R631Q.
Identifiers: ClinVar variation 21222 (VCV000021222.25), dbSNP rs113994145, ClinGen allele CA341754.